The following is an entry in ClinVar:

ClinVar aggregate classification (germline): Uncertain significance (1 of 4 stars; one submission).

Conditions:
Galactosylceramide beta-galactosidase deficiency. Also called: Leukodystrophy, Globoid Cell; GALACTOCEREBROSIDASE DEFICIENCY; GALC DEFICIENCY; GLOBOID CELL LEUKOENCEPHALOPATHY; Krabbe Disease. Identifiers: Orphanet 487, MedGen C0023521, MONDO:0009499, OMIM 245200.

Allele frequency attached by ClinVar (database versions not stated): TOPMed below 0.00001.

Submission:

Labcorp Genetics (formerly Invitae), Labcorp
Classification: Uncertain significance for Galactosylceramide beta-galactosidase deficiency. Last evaluated: 2022-04-01. Review status: criteria provided, single submitter. Criteria: Invitae Variant Classification Sherloc (09022015). Collection method: clinical testing. Allele origin: germline.
Comment: In summary, the available evidence is currently insufficient to determine the role of this variant in disease. Therefore, it has been classified as a Variant of Uncertain Significance. Advanced modeling of protein sequence and biophysical properties (such as structural, functional, and spatial information, amino acid conservation, physicochemical variation, residue mobility, and thermodynamic stability) performed at Invitae indicates that this missense variant is not expected to disrupt GALC protein function. This variant has not been reported in the literature in individuals affected with GALC-related conditions. This variant is not present in population databases (gnomAD no frequency). This sequence change replaces serine, which is neutral and polar, with alanine, which is neutral and non-polar, at codon 48 of the GALC protein (p.Ser48Ala).

NM_000153.4(GALC):c.142T>G (p.Ser48Ala)

Genes: GALC (galactosylceramidase; minus strand), LOC130056217 (ATAC-STARR-seq lymphoblastoid silent region 5988; plus strand). Cytogenetic location: 14q31.3.
Variant type: single nucleotide variant.
Coding change: c.142T>G on transcript NM_000153.4 (MANE Select); coding-DNA position 142, T replaced by G.
Protein change: p.Ser48Ala; replaces serine 48 with alanine.
Molecular consequence: missense variant. On other transcripts: intron variant (1).
Genome position (GRCh38, 1-based): chr14:87,993,023, A>C on the plus strand (T>G on the coding strand, the complement: GALC is on the minus strand). VCF-style: chr14-87993023-A-C. GRCh37 (hg19) VCF-style: chr14-88459367-A-C.
Other names: c.142T>G, p.Ser48Ala (NM_001201401.2); c.117+360T>G (NM_001201402.2); short protein forms S48A.
Identifiers: ClinVar variation 1920358 (VCV001920358.5), dbSNP rs1288430367, ClinGen allele CA390771752.